The following is an entry in ClinVar:

ClinVar aggregate classification (germline): Conflicting classifications of pathogenicity. Review status: criteria provided, conflicting classifications (1 of 4 stars). 3 submissions from 3 submitters: Uncertain significance (2); Benign (1). Last evaluated 2024-07-15.

Conditions:
Kabuki syndrome 1 (KABUK1). Also called: KMT2D-Related Kabuki Syndrome. Identifiers: Orphanet 2322, MedGen CN030661, MONDO:0007843, OMIM 147920.
Choanal atresia-athelia-hypothyroidism-delayed puberty-short stature syndrome (BCAHH). Also called: BRANCHIAL ARCH ABNORMALITIES, CHOANAL ATRESIA, ATHELIA, HEARING LOSS, AND HYPOTHYROIDISM SYNDROME. Identifiers: Orphanet 589856, MedGen C5680310, MONDO:0035651, OMIM 620186.
Kabuki syndrome. Also called: NIIKAWA-KUROKI SYNDROME; Kabuki make-up syndrome. Identifiers: Orphanet 2322, MedGen C0796004, MONDO:0016512.

Allele frequency attached by ClinVar (database versions not stated): gnomAD 0.00001; gnomAD exomes 0.00001 and 0.00002; ExAC 0.00002; TOPMed 0.00002.

Submissions (3):

Labcorp Genetics (formerly Invitae), Labcorp
Classification: Benign for Kabuki syndrome. Last evaluated: 2024-07-15. Review status: criteria provided, single submitter. Criteria: Invitae Variant Classification Sherloc (09022015). Collection method: clinical testing. Allele origin: germline.

Baylor Genetics
Classification: Uncertain significance for Kabuki syndrome 1. Last evaluated: 2018-06-14. Review status: criteria provided, single submitter. Criteria: ACMG Guidelines, 2015. Collection method: clinical testing. Allele origin: paternal. Affected: yes.
Comment: This variant was determined to be of uncertain significance according to ACMG Guidelines, 2015 [PMID:25741868].

Juno Genomics, Hangzhou Juno Genomics, Inc
Classification: Uncertain significance for Choanal atresia-athelia-hypothyroidism-delayed puberty-short stature syndrome; Kabuki syndrome 1. Review status: criteria provided, single submitter. Criteria: ACMG Guidelines, 2015. Collection method: clinical testing. Allele origin: germline.
Comment: Absent from controls (or at extremely low frequency if recessive) in Genome Aggregation Database.;De novo (both maternity and paternity confirmed) in a patient with the disease and no family history.;Missense variant in a gene that has a low rate of benign missense variation.

NM_003482.4(KMT2D):c.9128A>G (p.Asn3043Ser)

Gene: KMT2D (lysine methyltransferase 2D; minus strand). Cytogenetic location: 12q13.12.
Variant type: single nucleotide variant.
Coding change: c.9128A>G on transcript NM_003482.4 (MANE Select); coding-DNA position 9128, A replaced by G.
Protein change: p.Asn3043Ser; replaces asparagine 3043 with serine.
Molecular consequence: missense variant.
Genome position (GRCh38, 1-based): chr12:49,038,228, T>C on the plus strand (A>G on the coding strand, the complement: KMT2D is on the minus strand). VCF-style: chr12-49038228-T-C. GRCh37 (hg19) VCF-style: chr12-49432011-T-C.
Other names: short protein forms N3043S.
Identifiers: ClinVar variation 1034002 (VCV001034002.7), dbSNP rs746344900, ClinGen allele CA6546741.